The following is an entry in ClinVar:

NM_004369.4(COL6A3):c.9494-7C>T

Genes: COL6A3 (collagen type VI alpha 3 chain; minus strand), LOC126806573 (CDK7 strongly-dependent group 2 enhancer GRCh37_chr2:238233151-238234350; plus strand). Cytogenetic location: 2q37.3.
Variant type: single nucleotide variant.
Coding change: c.9494-7C>T on transcript NM_004369.4 (MANE Select); 7 bases into the intron before coding-DNA position 9494, C replaced by T.
Molecular consequence: intron variant.
Genome position (GRCh38, 1-based): chr2:237,324,821, G>A on the plus strand (C>T on the coding strand, the complement: COL6A3 is on the minus strand). VCF-style: chr2-237324821-G-A. GRCh37 (hg19) VCF-style: chr2-238233464-G-A.
Other names: c.7673-7C>T (NM_057166.5); c.8876-7C>T (NM_057167.4).
Identifiers: ClinVar variation 515415 (VCV000515415.12), dbSNP rs374024399, ClinGen allele CA2187240.

ClinVar aggregate classification (germline): Likely benign. Review status: criteria provided, multiple submitters, no conflicts (2 of 4 stars). 2 submissions from 2 submitters: Likely benign (2). Last evaluated 2026-01-28.

Conditions:
Bethlem myopathy 1A. Also called: MYOPATHY, BENIGN CONGENITAL, WITH CONTRACTURES; Bethlem myopathy 1; Bethlem Muscular Dystrophy. Identifiers: Orphanet 610, MedGen CN029274, MONDO:0024530, OMIM 158810.

Allele frequency attached by ClinVar (database versions not stated): ExAC 0.00005; gnomAD 0.00016 and 0.00019; TOPMed 0.00023; ESP Exome Variant Server 0.00038.
gnomAD v4.1: 58 of 1,613,054 alleles (0.0036%); highest among the groups gnomAD compares: African/African-American, 0.06%; no homozygotes.

Submissions (2):

Labcorp Genetics (formerly Invitae), Labcorp
Classification: Likely benign for Bethlem myopathy 1A. Last evaluated: 2026-01-28. Review status: criteria provided, single submitter. Criteria: Invitae Variant Classification Sherloc (09022015). Collection method: clinical testing. Allele origin: germline.

GeneDx
Classification: Likely benign. Last evaluated: 2018-02-15. Review status: criteria provided, single submitter. Criteria: GeneDx Variant Classification (06012015). Collection method: clinical testing. Allele origin: germline. Affected: yes.
Comment: This variant is considered likely benign or benign based on one or more of the following criteria: it is a conservative change, it occurs at a poorly conserved position in the protein, it is predicted to be benign by multiple in silico algorithms, and/or has population frequency not consistent with disease.